The following is an entry in ClinVar:

NM_173076.3(ABCA12):c.1918dup (p.Leu640fs)

Gene: ABCA12 (ATP binding cassette subfamily A member 12; minus strand). Cytogenetic location: 2q35.
Variant type: Duplication.
Coding change: c.1918dup on transcript NM_173076.3 (MANE Select); coding-DNA position 1918, one base duplicated (C; older notation c.1918dupC).
Protein change: p.Leu640fs; shifts the reading frame from leucine 640.
Molecular consequence: frameshift variant. On other transcripts: non-coding transcript variant (1).
Genome position (GRCh38, 1-based): chr2:215,015,528, G duplicated on the plus strand (C on the coding strand, the reverse complement: ABCA12 is on the minus strand); the first of 3 consecutive G bases (chr2:215,015,528-215,015,530); duplicating any one gives the same sequence. VCF-style (leftmost placement, unchanged base first): chr2-215015527-A-AG. GRCh37 (hg19) VCF-style: chr2-215880251-A-AG.
Other names: c.1918dupC (NM_173076.3); c.964dup, p.Leu322fs (NM_015657.4); short protein forms L322fs, L640fs.
Identifiers: ClinVar variation 804393 (VCV000804393.3), dbSNP rs1574984736, ClinGen allele CA915941680.

ClinVar aggregate classification (germline): Likely pathogenic. Review status: criteria provided, multiple submitters, no conflicts (2 of 4 stars). 2 submissions from 2 submitters: Likely pathogenic (2). Last evaluated 2025-05-20.

Conditions:
Autosomal recessive congenital ichthyosis 4B (ARCI4B). Also called: Harlequin Fetus; ICHTHYOSIS CONGENITA, HARLEQUIN FETUS TYPE; Ichthyosis, congenital, autosomal recessive 4B (harlequin); HARLEQUIN ICHTHYOSIS. Identifiers: Orphanet 457, MedGen C0598226, MONDO:0009443, OMIM 242500.
Autosomal recessive congenital ichthyosis 4A (LI2). Also called: ICHTHYOSIS CONGENITA IIB. Identifiers: Orphanet 313, MedGen C1832550, MONDO:0011026, OMIM 601277.

Submissions (2):

First Genomix Gene Laboratory, Genetic Diagnostics Department
Classification: Likely pathogenic for Autosomal recessive congenital ichthyosis 4A; Autosomal recessive congenital ichthyosis 4B. Last evaluated: 2025-05-20. Review status: criteria provided, single submitter. Criteria: ACMG Guidelines, 2015. Collection method: clinical testing. Allele origin: germline. Inheritance: Autosomal recessive inheritance. Affected: no. Observed: 1 variant allele.

Hadassah Hebrew University Medical Center
Classification: Likely pathogenic for Autosomal recessive congenital ichthyosis 4B. Last evaluated: 2019-06-20. Review status: criteria provided, single submitter. Criteria: ACMG Guidelines, 2015. Collection method: clinical testing. Allele origin: germline. Inheritance: Autosomal recessive inheritance. Affected: yes.